The following is an entry in ClinVar:

ClinVar aggregate classification (germline): Uncertain significance (1 of 4 stars; one submission).

Submission:

GeneDx
Classification: Uncertain significance. Last evaluated: 2023-10-19. Review status: criteria provided, single submitter. Criteria: GeneDx Variant Classification Process June 2021. Collection method: clinical testing. Allele origin: germline. Affected: yes.
Comment: Not observed at significant frequency in large population cohorts (gnomAD); In silico analysis supports that this missense variant has a deleterious effect on protein structure/function; Has not been previously published as pathogenic or benign to our knowledge

NM_001287491.2(TET3):c.2462C>A (p.Ala821Asp)

Gene: TET3 (tet methylcytosine dioxygenase 3; plus strand). Cytogenetic location: 2p13.1.
Variant type: single nucleotide variant.
Coding change: c.2462C>A on transcript NM_001287491.2 (MANE Select); coding-DNA position 2462, C replaced by A.
Protein change: p.Ala821Asp; replaces alanine 821 with aspartic acid.
Molecular consequence: missense variant.
Genome position (GRCh38, 1-based): chr2:74,048,379, C>A. VCF-style: chr2-74048379-C-A. GRCh37 (hg19) VCF-style: chr2-74275506-C-A.
Other names: c.2183C>A, p.Ala728Asp (NM_001366022.1); short protein forms A728D, A821D.
Identifiers: ClinVar variation 3363330 (VCV003363330.1).